The following is an entry in ClinVar:

ClinVar aggregate classification (germline): Uncertain significance. Review status: criteria provided, multiple submitters, no conflicts (2 of 4 stars). 2 submissions from 2 submitters: Uncertain significance (2). Last evaluated 2025-07-02.

Allele frequency attached by ClinVar (database versions not stated): ExAC 0.00002; gnomAD exomes 0.00001; TOPMed 0.00001.
gnomAD v4.1: 20 of 1,595,994 alleles (0.0013%); highest among the groups gnomAD compares: Non-Finnish European, 0.0017%; no homozygotes.

Submissions (2):

GeneDx
Classification: Uncertain significance. Last evaluated: 2025-07-02. Review status: criteria provided, single submitter. Criteria: GeneDx Variant Classification Process June 2021. Collection method: clinical testing. Allele origin: germline.
Comment: In silico analysis supports that this missense variant has a deleterious effect on protein structure/function; Has not been previously published as pathogenic or benign to our knowledge

Labcorp Genetics (formerly Invitae), Labcorp
Classification: Uncertain significance. Last evaluated: 2024-05-15. Review status: criteria provided, single submitter. Criteria: Invitae Variant Classification Sherloc (09022015). Collection method: clinical testing. Allele origin: germline.
Comment: This sequence change replaces glutamic acid, which is acidic and polar, with alanine, which is neutral and non-polar, at codon 661 of the ITPR1 protein (p.Glu661Ala). The frequency data for this variant in the population databases is considered unreliable, as metrics indicate poor data quality at this position in the gnomAD database. This variant has not been reported in the literature in individuals affected with ITPR1-related conditions. ClinVar contains an entry for this variant (Variation ID: 1804565). Advanced modeling of protein sequence and biophysical properties (such as structural, functional, and spatial information, amino acid conservation, physicochemical variation, residue mobility, and thermodynamic stability) has been performed at Invitae for this missense variant, however the output from this modeling did not meet the statistical confidence thresholds required to predict the impact of this variant on ITPR1 protein function. In summary, the available evidence is currently insufficient to determine the role of this variant in disease. Therefore, it has been classified as a Variant of Uncertain Significance.

NM_001378452.1(ITPR1):c.2027A>C (p.Glu676Ala)

Gene: ITPR1 (inositol 1,4,5-trisphosphate receptor type 1; plus strand). Cytogenetic location: 3p26.1.
Variant type: single nucleotide variant.
Coding change: c.2027A>C on transcript NM_001378452.1 (MANE Select); coding-DNA position 2027, A replaced by C.
Protein change: p.Glu676Ala; replaces glutamic acid 676 with alanine.
Molecular consequence: missense variant.
Genome position (GRCh38, 1-based): chr3:4,670,749, A>C. VCF-style: chr3-4670749-A-C. GRCh37 (hg19) VCF-style: chr3-4712433-A-C.
Other names: c.2027A>C, p.Glu676Ala (NM_001099952.4); c.1982A>C, p.Glu661Ala (NM_001168272.2, NM_002222.7); short protein forms E661A, E676A.
Identifiers: ClinVar variation 1804565 (VCV001804565.5), dbSNP rs780898663, ClinGen allele CA2231333.